The following is an entry in ClinVar:

NM_000127.3(EXT1):c.112G>T (p.Glu38Ter)

Gene: EXT1 (exostosin glycosyltransferase 1; minus strand). Cytogenetic location: 8q24.11.
Variant type: single nucleotide variant.
Coding change: c.112G>T on transcript NM_000127.3 (MANE Select); coding-DNA position 112, G replaced by T.
Protein change: p.Glu38Ter; replaces glutamic acid 38 with a stop codon.
Molecular consequence: nonsense.
Genome position (GRCh38, 1-based): chr8:118,110,935, C>A on the plus strand (G>T on the coding strand, the complement: EXT1 is on the minus strand). VCF-style: chr8-118110935-C-A. GRCh37 (hg19) VCF-style: chr8-119123174-C-A.
Other names: short protein forms E38*.
Identifiers: ClinVar variation 4710754 (VCV004710754.1).
Genomic context (GRCh38, chr8:118,110,935, plus strand): 5'-AGCGGGGCCAGAAATGATCCGGACTGGGGTGGTGCAAGCCATTCCTACCGCTGTGTTCTT[C>A]TCTCCGGCTGTGGCTCCTCGATGCCCTAAACTGCAAGCCTCCGAAATAAAACAAAAGGGC-3'

ClinVar aggregate classification (germline): Pathogenic (1 of 4 stars; one submission).

Conditions:
Multiple congenital exostosis (EXT). Also called: MULTIPLE CARTILAGINOUS EXOSTOSES; Hereditary multiple exostoses; Hereditary multiple exostosis; Hereditary multiple osteochondromas; Multiple osteochondromas; Multiple exostoses. Identifiers: Orphanet 321, MedGen C0015306, MONDO:0005508, HP:0002762.

Submission:

Labcorp Genetics (formerly Invitae), Labcorp
Classification: Pathogenic for Multiple congenital exostosis. Last evaluated: 2025-12-17. Review status: criteria provided, single submitter. Criteria: Invitae Variant Classification Sherloc (09022015). Collection method: clinical testing. Allele origin: germline.
Comment: This sequence change creates a premature translational stop signal (p.Glu38*) in the EXT1 gene. It is expected to result in an absent or disrupted protein product. Loss-of-function variants in EXT1 are known to be pathogenic (PMID: 10679937, 11391482, 19810120). This variant is not present in population databases (gnomAD no frequency). This premature translational stop signal has been observed in individual(s) with hereditary multiple exostoses (PMID: 35806987). For these reasons, this variant has been classified as Pathogenic.

Literature cited by the submitters: PubMed 10679937; PubMed 11391482; PubMed 19810120; PubMed 35806987.